The following is an entry in ClinVar:

ClinVar aggregate classification (germline): Likely benign (1 of 4 stars; one submission).

gnomAD v4.1: 4 of 764,982 alleles (0.00052%); highest among the groups gnomAD compares: Non-Finnish European, 0.00096%; no homozygotes.

Submission:

CeGaT Center for Human Genetics Tuebingen
Classification: Likely benign. Last evaluated: 2023-06-01. Review status: criteria provided, single submitter. Criteria: CeGaT Center For Human Genetics Tuebingen Variant Classification Criteria Version 2. Collection method: clinical testing. Allele origin: germline. Affected: yes. Observed: 1 variant allele.
Comment: MUC5AC: BP4, BP7

NM_001304359.2(MUC5AC):c.14034C>G (p.Ala4678=)

Gene: MUC5AC (mucin 5AC, oligomeric mucus/gel-forming; plus strand). Cytogenetic location: 11p15.5.
Variant type: single nucleotide variant.
Coding change: c.14034C>G on transcript NM_001304359.2 (MANE Select); coding-DNA position 14034, C replaced by G.
Protein change: p.Ala4678=; no amino-acid change (alanine 4678 retained).
Molecular consequence: synonymous variant.
Genome position (GRCh38, 1-based): chr11:1,192,179, C>G. VCF-style: chr11-1192179-C-G. GRCh37 (hg19) VCF-style: chr11-1213404-C-G.
Identifiers: ClinVar variation 2641172 (VCV002641172.24), dbSNP rs574045421, ClinGen allele CA472445700.